The following is an entry in ClinVar:

ClinVar aggregate classification (germline): Conflicting classifications of pathogenicity. Review status: criteria provided, conflicting classifications (1 of 4 stars). 5 submissions from 5 submitters: Uncertain significance (3); Likely benign (1). 1 of the submissions does not count toward it. Last evaluated 2026-07-02.

Conditions:
Wilson disease (WND). Also called: Wilson's disease. Identifiers: Orphanet 905, MedGen C0019202, MONDO:0010200, OMIM 277900. Disease mechanism: loss of function.
Inborn genetic diseases. Identifiers: MedGen C0950123, MeSH D030342.

Allele frequency attached by ClinVar (database versions not stated): ExAC 0.00008; gnomAD exomes 0.00003 and 0.00013; TOPMed 0.00008; gnomAD 0.00009 and 0.00010.
gnomAD v4.1: 51 of 1,613,938 alleles (0.0032%); highest among the groups gnomAD compares: Admixed American, 0.078%; 1 homozygote.

Submissions (5):

Ambry Genetics
Classification: Uncertain significance for Inborn genetic diseases. Last evaluated: 2026-07-02. Review status: criteria provided, single submitter. Criteria: Ambry Variant Classification Scheme 2023. Collection method: clinical testing. Allele origin: germline.
Comment: The p.A1388T variant (also known as c.4162G>A), located in coding exon 21 of the ATP7B gene, results from a G to A substitution at nucleotide position 4162. The alanine at codon 1388 is replaced by threonine, an amino acid with similar properties. This amino acid position is conserved. In addition, this alteration is predicted to be tolerated by in silico analysis. Based on the available evidence, the clinical significance of this variant remains unclear.

Labcorp Genetics (formerly Invitae), Labcorp
Classification: Likely benign for Wilson disease. Last evaluated: 2026-02-01. Review status: criteria provided, single submitter. Criteria: Invitae Variant Classification Sherloc (09022015). Collection method: clinical testing. Allele origin: germline.

All of Us Research Program, National Institutes of Health
Classification: Uncertain significance for Wilson disease. Last evaluated: 2024-08-06. Review status: criteria provided, single submitter. Criteria: ACMG Guidelines, 2015. Collection method: clinical testing. Allele origin: germline. Inheritance: Autosomal recessive inheritance. Observed: 12 variant alleles, 12 heterozygotes.
Comment: This missense variant replaces alanine with threonine at codon 1388 of the ATP7B protein. Computational prediction suggests that this variant may not impact protein structure and function (internally defined REVEL score threshold <= 0.5, PMID: 27666373). To our knowledge, functional studies have not been reported for this variant. This variant has not been reported in individuals affected with Wilson disease in the literature. This variant has been identified in 34/278712 chromosomes in the general population by the Genome Aggregation Database (gnomAD). The available evidence is insufficient to determine the role of this variant in disease conclusively. Therefore, this variant is classified as a Variant of Uncertain Significance.

This study involves interpretation of variants in research participants for the purpose of population health screening. Participant phenotype was not available at the time of variant classification. Additional details can be found in publication PMID: 35346344, PMCID: PMC8962531

Color Diagnostics, LLC DBA Color Health
Classification: Uncertain significance for Wilson disease. Last evaluated: 2024-03-06. Review status: criteria provided, single submitter. Criteria: ACMG Guidelines, 2015. Collection method: clinical testing. Allele origin: germline.
Comment: This missense variant replaces alanine with threonine at codon 1388 of the ATP7B protein. Computational prediction suggests that this variant may not impact protein structure and function. To our knowledge, functional studies have not been reported for this variant. This variant has not been reported in individuals affected with Wilson disease in the literature. This variant has been identified in 34/278712 chromosomes in the general population by the Genome Aggregation Database (gnomAD). The available evidence is insufficient to determine the role of this variant in disease conclusively. Therefore, this variant is classified as a Variant of Uncertain Significance.

Natera, Inc.
Classification: Likely benign for Wilson disease. Last evaluated: 2021-06-30. Review status: no assertion criteria provided. Collection method: clinical testing. Allele origin: germline. Not counted in ClinVar's aggregate classification.

NM_000053.4(ATP7B):c.4162G>A (p.Ala1388Thr)

Gene: ATP7B (ATPase copper transporting beta; minus strand). Cytogenetic location: 13q14.3.
Variant type: single nucleotide variant.
Coding change: c.4162G>A on transcript NM_000053.4 (MANE Select); coding-DNA position 4162, G replaced by A.
Protein change: p.Ala1388Thr; replaces alanine 1388 with threonine.
Molecular consequence: missense variant.
Genome position (GRCh38, 1-based): chr13:51,934,992, C>T on the plus strand (G>A on the coding strand, the complement: ATP7B is on the minus strand). VCF-style: chr13-51934992-C-T. GRCh37 (hg19) VCF-style: chr13-52509128-C-T.
Other names: c.4162G>A (NM_000053.3); c.3541G>A, p.Ala1181Thr (NM_001005918.3); c.3829G>A, p.Ala1277Thr (NM_001243182.2); c.3928G>A, p.Ala1310Thr (NM_001330578.2); c.3910G>A, p.Ala1304Thr (NM_001330579.2); short protein forms A1181T, A1277T, A1304T, A1310T, A1388T.
Identifiers: ClinVar variation 1137277 (VCV001137277.16), dbSNP rs745866259, ClinGen allele CA6988467.